The following is an entry in ClinVar:

NM_018897.3(DNAH7):c.11434-1G>A

Gene: DNAH7 (dynein axonemal heavy chain 7; minus strand). Cytogenetic location: 2q32.3.
Variant type: single nucleotide variant.
Coding change: c.11434-1G>A on transcript NM_018897.3 (MANE Select); the canonical splice acceptor site of the intron before coding-DNA position 11434, G replaced by A.
Molecular consequence: splice acceptor variant.
Genome position (GRCh38, 1-based): chr2:195,756,286, C>T on the plus strand (G>A on the coding strand, the complement: DNAH7 is on the minus strand). VCF-style: chr2-195756286-C-T. GRCh37 (hg19) VCF-style: chr2-196621010-C-T.
Identifiers: ClinVar variation 3343144 (VCV003343144.1).

ClinVar aggregate classification (germline): Uncertain significance (1 of 4 stars; one submission).

Submission:

GeneDx
Classification: Uncertain significance. Last evaluated: 2023-04-30. Review status: criteria provided, single submitter. Criteria: GeneDx Variant Classification Process June 2021. Collection method: clinical testing. Allele origin: germline. Affected: yes.
Comment: Not observed at significant frequency in large population cohorts (gnomAD); Canonical splice site variant in a gene or region of a gene for which loss of function is not a well-established mechanism of disease; Has not been previously published as pathogenic or benign to our knowledge; Variants in candidate genes are classified as variants of uncertain significance in accordance with ACMG guidelines (Richards et al., 2015)